The following is an entry in ClinVar:

ClinVar aggregate classification (germline): Uncertain significance (1 of 4 stars; one submission).

Allele frequency attached by ClinVar (database versions not stated): gnomAD exomes below 0.00001; ExAC 0.00001.
gnomAD v4.1: 2 of 1,601,780 alleles (0.00012%); highest among the groups gnomAD compares: South Asian, 0.0011%; no homozygotes.

Submission:

Labcorp Genetics (formerly Invitae), Labcorp
Classification: Uncertain significance. Last evaluated: 2024-02-24. Review status: criteria provided, single submitter. Criteria: Invitae Variant Classification Sherloc (09022015). Collection method: clinical testing. Allele origin: germline.
Comment: This sequence change replaces isoleucine, which is neutral and non-polar, with valine, which is neutral and non-polar, at codon 313 of the HPS5 protein (p.Ile313Val). This variant is present in population databases (rs770754760, gnomAD 0.003%). This variant has not been reported in the literature in individuals affected with HPS5-related conditions. ClinVar contains an entry for this variant (Variation ID: 2127494). Algorithms developed to predict the effect of missense changes on protein structure and function output the following: SIFT: "Not Available"; PolyPhen-2: "Benign"; Align-GVGD: "Not Available". The valine amino acid residue is found in multiple mammalian species, which suggests that this missense change does not adversely affect protein function. In summary, the available evidence is currently insufficient to determine the role of this variant in disease. Therefore, it has been classified as a Variant of Uncertain Significance.

NM_181507.2(HPS5):c.937A>G (p.Ile313Val)

Gene: HPS5 (HPS5 biogenesis of lysosomal organelles complex 2 subunit 2; minus strand). Cytogenetic location: 11p15.1.
Variant type: single nucleotide variant.
Coding change: c.937A>G on transcript NM_181507.2 (MANE Select); coding-DNA position 937, A replaced by G.
Protein change: p.Ile313Val; replaces isoleucine 313 with valine.
Molecular consequence: missense variant.
Genome position (GRCh38, 1-based): chr11:18,300,876, T>C on the plus strand (A>G on the coding strand, the complement: HPS5 is on the minus strand). VCF-style: chr11-18300876-T-C. GRCh37 (hg19) VCF-style: chr11-18322423-T-C.
Other names: c.595A>G, p.Ile199Val (NM_007216.4, NM_181508.2); short protein forms I313V, I199V.
Identifiers: ClinVar variation 2127494 (VCV002127494.4), dbSNP rs770754760, ClinGen allele CA5910277.